The following is an entry in ClinVar:

ClinVar aggregate classification (germline): Conflicting classifications of pathogenicity. Review status: criteria provided, conflicting classifications (1 of 4 stars). 3 submissions from 2 submitters: Uncertain significance (1); Benign (1); Likely benign (1). Last evaluated 2021-08-21.

Conditions:
3-Methylglutaconic aciduria type 3 (MGCA3). Also called: OPA3, AUTOSOMAL RECESSIVE; OPTIC ATROPHY 3, AUTOSOMAL RECESSIVE; Costeff Syndrome; OPA3-Related 3-Methylglutaconic Aciduria. Identifiers: Orphanet 67047, MedGen C0574084, MONDO:0009787, OMIM 258501.
Optic atrophy 3 (OPA3). Also called: OPTIC ATROPHY 3, AUTOSOMAL DOMINANT; Optic atrophy, cataract, and neurologic disorder; Optic atrophy 3 with cataract. Identifiers: Orphanet 67036, MedGen C1833809, MONDO:0008133, OMIM 165300.

Allele frequency attached by ClinVar (database versions not stated): 1000 Genomes Project 0.00260; 1000 Genomes Project 30x 0.00265; gnomAD 0.00439 and 0.00484; TOPMed 0.00536.
gnomAD v4.1: 930 of 985,604 alleles (0.094%); highest among the groups gnomAD compares: African/African-American, 1.5%; 8 homozygotes.

Submissions (3):

GeneDx
Classification: Likely benign. Last evaluated: 2021-08-21. Review status: criteria provided, single submitter. Criteria: GeneDx Variant Classification Process June 2021. Collection method: clinical testing. Allele origin: germline. Affected: yes.

Illumina Laboratory Services, Illumina
Classification: Benign for Optic atrophy 3. Last evaluated: 2018-01-12. Review status: criteria provided, single submitter. Criteria: ICSL Variant Classification Criteria 13 December 2019. Collection method: clinical testing. Allele origin: germline.
Comment: This variant was observed in the ICSL laboratory as part of a predisposition screen in an ostensibly healthy population. It had not been previously curated by ICSL or reported in the Human Gene Mutation Database (HGMD: prior to June 1st, 2018), and was therefore a candidate for classification through an automated scoring system. Utilizing variant allele frequency, disease prevalence and penetrance estimates, and inheritance mode, an automated score was calculated to assess if this variant is too frequent to cause the disease. Based on the score and internal cut-off values, a variant classified as benign is not then subjected to further curation. The score for this variant resulted in a classification of benign for this disease.

Illumina Laboratory Services, Illumina
Classification: Uncertain significance for 3-Methylglutaconic aciduria type 3. Last evaluated: 2018-01-12. Review status: criteria provided, single submitter. Criteria: ICSL Variant Classification Criteria 13 December 2019. Collection method: clinical testing. Allele origin: germline.

NM_025136.4(OPA3):c.*1642A>G

Genes: OPA3 (outer mitochondrial membrane lipid metabolism regulator OPA3; minus strand), OPA3-RTN2 (OPA3-RTN2 readthrough; minus strand). Cytogenetic location: 19q13.32.
Variant type: single nucleotide variant.
Coding change: c.*1642A>G on transcript NM_025136.4 (MANE Select); 1642 bases downstream of the stop codon, A replaced by G.
Molecular consequence: 3 prime UTR variant. On other transcripts: intron variant (1).
Genome position (GRCh38, 1-based): chr19:45,551,872, T>C on the plus strand (A>G on the coding strand, the complement: OPA3 is on the minus strand). VCF-style: chr19-45551872-T-C. GRCh37 (hg19) VCF-style: chr19-46055130-T-C.
Other names: c.143-22416A>G (NM_001017989.3).
Identifiers: ClinVar variation 329653 (VCV000329653.6), dbSNP rs144894771, ClinGen allele CA10652145.